The following is an entry in ClinVar:

NM_170606.3(KMT2C):c.10992C>A (p.Val3664=)

Gene: KMT2C (lysine methyltransferase 2C; minus strand). Cytogenetic location: 7q36.1.
Variant type: single nucleotide variant.
Coding change: c.10992C>A on transcript NM_170606.3 (MANE Select); coding-DNA position 10992, C replaced by A.
Protein change: p.Val3664=; no amino-acid change (valine 3664 retained).
Molecular consequence: synonymous variant.
Genome position (GRCh38, 1-based): chr7:152,162,585, G>T on the plus strand (C>A on the coding strand, the complement: KMT2C is on the minus strand). VCF-style: chr7-152162585-G-T. GRCh37 (hg19) VCF-style: chr7-151859670-G-T.
Identifiers: ClinVar variation 736447 (VCV000736447.35), dbSNP rs149510534, ClinGen allele CA4579194.

ClinVar aggregate classification (germline): Likely benign. Review status: criteria provided, multiple submitters, no conflicts (2 of 4 stars). 4 submissions from 4 submitters: Likely benign (4). Last evaluated 2025-07-07.

Allele frequency attached by ClinVar (database versions not stated): 1000 Genomes Project 30x 0.00016; gnomAD 0.00016; TOPMed 0.00029; ESP Exome Variant Server 0.00062.
gnomAD v4.1: 528 of 1,614,184 alleles (0.033%); highest among the groups gnomAD compares: Middle Eastern, 0.12%; 3 homozygotes.

Submissions (4):

Labcorp Genetics (formerly Invitae), Labcorp
Classification: Likely benign. Last evaluated: 2025-07-07. Review status: criteria provided, single submitter. Criteria: Invitae Variant Classification Sherloc (09022015). Collection method: clinical testing. Allele origin: germline.

CeGaT Center for Human Genetics Tuebingen
Classification: Likely benign. Last evaluated: 2025-04-01. Review status: criteria provided, single submitter. Criteria: CeGaT Center For Human Genetics Tuebingen Variant Classification Criteria Version 2. Collection method: clinical testing. Allele origin: germline. Affected: yes. Observed: 4 variant alleles.
Comment: KMT2C: BP4, BP7

Blueprint Genetics
Classification: Likely benign. Last evaluated: 2024-10-16. Review status: criteria provided, single submitter. Criteria: ACMG Guidelines, 2015. Collection method: clinical testing. Allele origin: germline.

Breakthrough Genomics
Classification: Likely benign. Review status: criteria provided, single submitter. Criteria: ACMG Guidelines, 2015. Collection method: not provided. Allele origin: germline. Inheritance: Autosomal dominant inheritance. Affected: yes.